The following is an entry in ClinVar:

NM_002474.3(MYH11):c.5449G>A (p.Ala1817Thr)

Genes: NDE1 (nudE neurodevelopment protein 1; plus strand), MYH11 (myosin heavy chain 11; minus strand). Cytogenetic location: 16p13.11.
Variant type: single nucleotide variant.
Coding change: c.5449G>A on transcript NM_002474.3 (MANE Select); coding-DNA position 5449, G replaced by A.
Protein change: p.Ala1817Thr; replaces alanine 1817 with threonine.
Molecular consequence: missense variant. On other transcripts: intron variant (2).
Genome position (GRCh38, 1-based): chr16:15,717,195, C>T on the plus strand (G>A on the coding strand, the complement: MYH11 is on the minus strand). VCF-style: chr16-15717195-C-T. GRCh37 (hg19) VCF-style: chr16-15811052-C-T.
Other names: c.5470G>A, p.Ala1824Thr (NM_001040113.2, NM_001040114.2); c.5449G>A, p.Ala1817Thr (NM_022844.3); c.948-6996C>T (NM_001143979.2, NM_017668.3); short protein forms A1817T, A1824T.
Identifiers: ClinVar variation 3156192 (VCV003156192.2), dbSNP rs370077312, ClinGen allele CA7921268.

ClinVar aggregate classification (germline): Uncertain significance. Review status: criteria provided, multiple submitters, no conflicts (2 of 4 stars). 2 submissions from 2 submitters: Uncertain significance (2). Last evaluated 2024-01-29.

Conditions:
Familial thoracic aortic aneurysm and aortic dissection (TAAD). Also called: Thoracic aortic aneurysms and dissections. Identifiers: Orphanet 91387, MedGen C4707243, MONDO:0019625.

Allele frequency attached by ClinVar (database versions not stated): gnomAD exomes 0.00001; ExAC 0.00002; gnomAD 0.00002; TOPMed 0.00004; ESP Exome Variant Server 0.00008.
gnomAD v4.1: 18 of 1,614,094 alleles (0.0011%); highest among the groups gnomAD compares: South Asian, 0.0088%; no homozygotes.

Submissions (2):

Ambry Genetics
Classification: Uncertain significance for Familial thoracic aortic aneurysm and aortic dissection. Last evaluated: 2024-01-29. Review status: criteria provided, single submitter. Criteria: Ambry Variant Classification Scheme 2023. Collection method: clinical testing. Allele origin: germline.

GeneDx
Classification: Uncertain significance. Last evaluated: 2024-01-05. Review status: criteria provided, single submitter. Criteria: GeneDx Variant Classification Process June 2021. Collection method: clinical testing. Allele origin: germline. Affected: yes.
Comment: Has not been previously published as pathogenic or benign to our knowledge; Not observed at significant frequency in large population cohorts (gnomAD); In silico analysis supports that this missense variant does not alter protein structure/function; This variant is associated with the following publications: (PMID: 21529752)